The following is an entry in ClinVar:

NC_000016.9:g.(?_89831215)_(89831494_?)del

Gene: FANCA (FA complementation group A; minus strand). Cytogenetic location: 16q24.3.
Variant type: Deletion.
Identifiers: ClinVar variation 2422401 (VCV002422401.4).

ClinVar aggregate classification (germline): Pathogenic (1 of 4 stars; one submission).

Conditions:
Fanconi anemia (FA). Also called: Fanconi's anemia. Identifiers: Orphanet 84, MedGen C0015625, MeSH D005199, MONDO:0019391.

Submission:

Labcorp Genetics (formerly Invitae), Labcorp
Classification: Pathogenic for Fanconi anemia. Last evaluated: 2022-07-06. Review status: criteria provided, single submitter. Criteria: Invitae Variant Classification Sherloc (09022015). Collection method: clinical testing. Allele origin: germline.
Comment: For these reasons, this variant has been classified as Pathogenic. This variant disrupts a region of the FANCA protein in which other variant(s) (p.His913Pro) have been determined to be pathogenic (PMID: 29098742, 29269525). This suggests that this is a clinically significant region of the protein, and that variants that disrupt it are likely to be disease-causing. Experimental studies and prediction algorithms are not available or were not evaluated, and the functional significance of this variant is currently unknown. This variant has not been reported in the literature in individuals affected with FANCA-related conditions. This variant is a gross deletion of the genomic region encompassing exon(s) 28 of the FANCA gene. This variant would be expected to be in-frame, preserving the integrity of the reading frame.

Literature cited by the submitters: PubMed 29098742; PubMed 29269525.